The following is an entry in ClinVar:

NM_153689.6(C2orf69):c.942A>C (p.Pro314=)

Gene: C2orf69 (chromosome 2 open reading frame 69; plus strand). Cytogenetic location: 2q33.1.
Variant type: single nucleotide variant.
Coding change: c.942A>C on transcript NM_153689.6 (MANE Select); coding-DNA position 942, A replaced by C.
Protein change: p.Pro314=; no amino-acid change (proline 314 retained).
Molecular consequence: synonymous variant.
Genome position (GRCh38, 1-based): chr2:199,925,670, A>C. VCF-style: chr2-199925670-A-C. GRCh37 (hg19) VCF-style: chr2-200790393-A-C.
Identifiers: ClinVar variation 5039486 (VCV005039486.1).

ClinVar aggregate classification (germline): Likely benign (1 of 4 stars; one submission).

gnomAD v4.1: 9 of 1,613,848 alleles (0.00056%); highest among the groups gnomAD compares: Non-Finnish European, 0.00059%; no homozygotes.

Submission:

CeGaT Center for Human Genetics Tuebingen
Classification: Likely benign. Last evaluated: 2026-07-01. Review status: criteria provided, single submitter. Criteria: CeGaT Center For Human Genetics Tuebingen Variant Classification Criteria Version 2. Collection method: clinical testing. Allele origin: germline. Affected: yes. Observed: 1 variant allele.
Comment: C2orf69: BP4, BP7